The following is an entry in ClinVar:

ClinVar aggregate classification (germline): Uncertain significance (1 of 4 stars; one submission).

Submission:

Labcorp Genetics (formerly Invitae), Labcorp
Classification: Uncertain significance. Last evaluated: 2021-06-19. Review status: criteria provided, single submitter. Criteria: Invitae Variant Classification Sherloc (09022015). Collection method: clinical testing. Allele origin: germline.
Comment: This variant is not present in population databases (ExAC no frequency). This sequence change replaces arginine with threonine at codon 3054 of the SPEG protein (p.Arg3054Thr). The arginine residue is highly conserved and there is a moderate physicochemical difference between arginine and threonine. This variant also falls at the last nucleotide of exon 37, which is part of the consensus splice site for this exon. This variant has not been reported in the literature in individuals with SPEG-related conditions. Algorithms developed to predict the effect of missense changes on protein structure and function are either unavailable or do not agree on the potential impact of this missense change (SIFT: "Deleterious"; PolyPhen-2: "Benign"; Align-GVGD: "Class C0"). Nucleotide substitutions within the consensus splice site are a relatively common cause of aberrant splicing (PMID: 17576681, 9536098). Algorithms developed to predict the effect of sequence changes on RNA splicing suggest that this variant may disrupt the consensus splice site, but this prediction has not been confirmed by published transcriptional studies. In summary, the available evidence is currently insufficient to determine the role of this variant in disease. Therefore, it has been classified as a Variant of Uncertain Significance.

Literature cited by the submitters: PubMed 17576681; PubMed 9536098.

NM_005876.5(SPEG):c.9161G>C (p.Arg3054Thr)

Genes: ASIC4-AS1 (ASIC4 antisense RNA 1; minus strand), SPEG (striated muscle enriched protein kinase; plus strand). Cytogenetic location: 2q35.
Variant type: single nucleotide variant.
Coding change: c.9161G>C on transcript NM_005876.5 (MANE Select); coding-DNA position 9161, G replaced by C.
Protein change: p.Arg3054Thr; replaces arginine 3054 with threonine.
Molecular consequence: missense variant.
Genome position (GRCh38, 1-based): chr2:219,490,648, G>C. VCF-style: chr2-219490648-G-C. GRCh37 (hg19) VCF-style: chr2-220355370-G-C.
Other names: short protein forms R3054T.
Identifiers: ClinVar variation 1347903 (VCV001347903.8), dbSNP rs2125598569, ClinGen allele CA350714790.